The following is an entry in ClinVar:

NM_002230.4(JUP):c.1163G>A (p.Gly388Asp)

Gene: JUP (junction plakoglobin; minus strand). Cytogenetic location: 17q21.2.
Variant type: single nucleotide variant.
Coding change: c.1163G>A on transcript NM_002230.4 (MANE Select); coding-DNA position 1163, G replaced by A.
Protein change: p.Gly388Asp; replaces glycine 388 with aspartic acid.
Molecular consequence: missense variant.
Genome position (GRCh38, 1-based): chr17:41,763,317, C>T on the plus strand (G>A on the coding strand, the complement: JUP is on the minus strand). VCF-style: chr17-41763317-C-T. GRCh37 (hg19) VCF-style: chr17-39919569-C-T.
Other names: c.1163G>A, p.Gly388Asp (NM_001352773.2, NM_001352774.2, NM_001352775.2 and 3 more transcripts); short protein forms G388D.
Identifiers: ClinVar variation 1375713 (VCV001375713.4), dbSNP rs1555602470, ClinGen allele CA399498269.

ClinVar aggregate classification (germline): Uncertain significance (1 of 4 stars; one submission).

Conditions:
Arrhythmogenic right ventricular dysplasia 12. Also called: ARRHYTHMOGENIC RIGHT VENTRICULAR DYSPLASIA, FAMILIAL, 12. Identifiers: MedGen C1969081, MONDO:0012684, OMIM 611528.
Naxos disease (NXD). Also called: PALMOPLANTAR KERATODERMA WITH ARRHYTHMOGENIC RIGHT VENTRICULAR CARDIOMYOPATHY AND WOOLLY HAIR; WOOLLY HAIR, PALMOPLANTAR KERATODERMA, AND CARDIAC ABNORMALITIES; KERATOSIS PALMOPLANTARIS WITH ARRHYTHMOGENIC CARDIOMYOPATHY; MAL DE NAXOS; CARDIOMYOPATHY, ARRHYTHMOGENIC RIGHT VENTRICULAR, WITH SKIN, HAIR, AND NAIL ABNORMALITIES. Identifiers: Orphanet 34217, MedGen C1832600, MONDO:0011017, OMIM 601214.

gnomAD v4.1: 2 of 1,612,514 alleles (0.00012%); highest among the groups gnomAD compares: Non-Finnish European, 0.00017%; no homozygotes.

Submission:

Labcorp Genetics (formerly Invitae), Labcorp
Classification: Uncertain significance for Arrhythmogenic right ventricular dysplasia 12; Naxos disease. Last evaluated: 2021-09-08. Review status: criteria provided, single submitter. Criteria: Invitae Variant Classification Sherloc (09022015). Collection method: clinical testing. Allele origin: germline.
Comment: In summary, the available evidence is currently insufficient to determine the role of this variant in disease. Therefore, it has been classified as a Variant of Uncertain Significance. Algorithms developed to predict the effect of missense changes on protein structure and function (SIFT, PolyPhen-2, Align-GVGD) all suggest that this variant is likely to be tolerated. This variant has not been reported in the literature in individuals affected with JUP-related conditions. This variant is not present in population databases (ExAC no frequency). This sequence change replaces glycine with aspartic acid at codon 388 of the JUP protein (p.Gly388Asp). The glycine residue is moderately conserved and there is a moderate physicochemical difference between glycine and aspartic acid.